The following is an entry in ClinVar:

NM_001288739.2(DNM1):c.1329C>T (p.Ser443=)

Gene: DNM1 (dynamin 1; plus strand). Cytogenetic location: 9q34.11.
Variant type: single nucleotide variant.
Coding change: c.1329C>T on transcript NM_001288739.2 (MANE Plus Clinical); coding-DNA position 1329, C replaced by T.
Protein change: p.Ser443=; no amino-acid change (serine 443 retained).
Molecular consequence: synonymous variant. On other transcripts: intron variant (3).
Genome position (GRCh38, 1-based): chr9:128,226,167, C>T. VCF-style: chr9-128226167-C-T. GRCh37 (hg19) VCF-style: chr9-130988446-C-T.
Other names: c.1329C>T, p.Ser443= (NM_001288737.2, NM_001288738.2); c.1335+1778C>T (NM_001005336.3, NM_001374269.1, NM_004408.4).
Identifiers: ClinVar variation 3358497 (VCV003358497.1).
Genomic context (GRCh38, chr9:128,226,167, plus strand): 5'-CAGTATCAAGTGTGTGGATATGGTAGTCAGTGAGCTCACAGCCACCATCAGAAAGTGTAG[C>T]GAAAAGGTATGACGGCCGCCTGGGCGGGGCTGGGCCTGGCCGTCCATTCCTTGTGGCCAC-3'
Protein context (NP_001275668.1, residues 433-453): SELTATIRKC[Ser443=]EKLQQYPRLR

ClinVar aggregate classification (germline): Likely benign (0 of 4 stars; one submission).

Conditions:
DNM1-related disorder. Also called: DNM1-related condition.

gnomAD v4.1: 29 of 1,612,842 alleles (0.0018%); highest among the groups gnomAD compares: Middle Eastern, 0.017%; no homozygotes.

Submission:

PreventionGenetics, part of Exact Sciences
Classification: Likely benign for DNM1-related condition. Last evaluated: 2019-03-06. Review status: no assertion criteria provided. Collection method: clinical testing. Allele origin: germline.
Comment: This variant is classified as likely benign based on ACMG/AMP sequence variant interpretation guidelines (Richards et al. 2015 PMID: 25741868, with internal and published modifications).